The following is an entry in ClinVar:

ClinVar aggregate classification (germline): Uncertain significance (1 of 4 stars; one submission).

Submission:

GeneDx
Classification: Uncertain significance. Last evaluated: 2025-06-28. Review status: criteria provided, single submitter. Criteria: GeneDx Variant Classification Process June 2021. Collection method: clinical testing. Allele origin: germline. Affected: yes.
Comment: Not observed at significant frequency in large population cohorts (gnomAD); In silico analysis supports that this missense variant has a deleterious effect on protein structure/function; Has not been previously published as pathogenic or benign to our knowledge

NM_031407.7(HUWE1):c.3680C>T (p.Pro1227Leu)

Genes: HUWE1 (HECT, UBA and WWE domain containing E3 ubiquitin protein ligase 1; minus strand), LOC126863263 (BRD4-independent group 4 enhancer GRCh37_chrX:53619238-53620437; plus strand). Cytogenetic location: Xp11.22.
Variant type: single nucleotide variant.
Coding change: c.3680C>T on transcript NM_031407.7 (MANE Select); coding-DNA position 3680, C replaced by T.
Protein change: p.Pro1227Leu; replaces proline 1227 with leucine.
Molecular consequence: missense variant.
Genome position (GRCh38, 1-based): chrX:53,593,425, G>A on the plus strand (C>T on the coding strand, the complement: HUWE1 is on the minus strand). VCF-style: chrX-53593425-G-A. GRCh37 (hg19) VCF-style: chrX-53620385-G-A.
Other names: c.3701C>T, p.Pro1234Leu (NM_001441050.1, NM_001441055.1); c.3680C>T, p.Pro1227Leu (NM_001441051.1, NM_001441052.1, NM_001441053.1 and 6 more transcripts); short protein forms P1227L, P1234L.
Identifiers: ClinVar variation 4540310 (VCV004540310.1).